The following is an entry in ClinVar:

ClinVar aggregate classification (germline): no classifications from unflagged records (0 of 4 stars; one submission).

Conditions:
Catecholaminergic polymorphic ventricular tachycardia 1. Also called: RYR2-Related Catecholaminergic Polymorphic Ventricular Tachycardia; VENTRICULAR TACHYCARDIA, CATECHOLAMINERGIC POLYMORPHIC, 1, WITH OR WITHOUT ATRIAL DYSFUNCTION AND/OR DILATED CARDIOMYOPATHY; VENTRICULAR TACHYCARDIA, STRESS-INDUCED POLYMORPHIC 1. Identifiers: Orphanet 3286, MedGen C1631597, MONDO:0011484, OMIM 604772.

Allele frequency attached by ClinVar (database versions not stated): gnomAD exomes below 0.00001.
gnomAD v4.1: 4 of 1,500,988 alleles (0.00027%); highest among the groups gnomAD compares: Non-Finnish European, 0.00036%; no homozygotes.

Submission:

Labcorp Genetics (formerly Invitae), Labcorp
Classification: Likely pathogenic for Catecholaminergic polymorphic ventricular tachycardia 1. Last evaluated: 2023-03-20. Review status: flagged submission. Criteria: Invitae Variant Classification Sherloc (09022015). Collection method: clinical testing. Allele origin: germline.
Comment: Algorithms developed to predict the effect of sequence changes on RNA splicing suggest that this variant may disrupt the consensus splice site. In summary, the currently available evidence indicates that the variant is pathogenic, but additional data are needed to prove that conclusively. Therefore, this variant has been classified as Likely Pathogenic. ClinVar contains an entry for this variant (Variation ID: 1969028). This variant has not been reported in the literature in individuals affected with TRDN-related conditions. This variant is present in population databases (no rsID available, gnomAD 0.007%). This sequence change affects an acceptor splice site in intron 14 of the TRDN gene. It is expected to disrupt RNA splicing. Variants that disrupt the donor or acceptor splice site typically lead to a loss of protein function (PMID: 16199547), and loss-of-function variants in TRDN are known to be pathogenic (PMID: 22422768, 25922419, 26200674, 30649896).
ClinVar note: Notes: This variant occurs in exons 9-41 of the MANE Select NM_006073.4 transcript but no valid P/LP variants have been reported due to the predominant transcript in cardiac tissue being one with only 8 exons (NM_001256021.1). Please provide evidence to support this claim.
ClinVar note: Reason: Claim with insufficient supporting evidence

Literature cited by the submitters: PubMed 16199547; PubMed 22422768; PubMed 25922419; PubMed 26200674; PubMed 30649896.

NM_006073.4(TRDN):c.1136-2A>G

Gene: TRDN (triadin; minus strand). Cytogenetic location: 6q22.31.
Variant type: single nucleotide variant.
Coding change: c.1136-2A>G on transcript NM_006073.4 (MANE Select); the canonical splice acceptor site of the intron before coding-DNA position 1136, A replaced by G.
Molecular consequence: splice acceptor variant.
Genome position (GRCh38, 1-based): chr6:123,382,149, T>C on the plus strand (A>G on the coding strand, the complement: TRDN is on the minus strand). VCF-style: chr6-123382149-T-C. GRCh37 (hg19) VCF-style: chr6-123703294-T-C.
Other names: c.1079-2A>G (NM_001407315.1); c.1139-2A>G (NM_001251987.2).
Identifiers: ClinVar variation 1969028 (VCV001969028.3), dbSNP rs987454373, ClinGen allele CA365566796.
Genomic context (GRCh38, chr6:123,382,149, plus strand): 5'-AGGCAGAAAAAAAGAAATATGTCCAGTACCTTCTGCAGGTTTTTTTGTTTTCTTGGAATC[T>C]GAAAACACAAAGATAAATTATTAATAAAACAGATACAATAAATCAACAGCTGATCAGCTC-3'